The following is an entry in ClinVar:

NM_182961.4(SYNE1):c.15398C>T (p.Ser5133Leu)

Gene: SYNE1 (spectrin repeat containing nuclear envelope protein 1; minus strand). Cytogenetic location: 6q25.2.
Variant type: single nucleotide variant.
Coding change: c.15398C>T on transcript NM_182961.4 (MANE Select); coding-DNA position 15398, C replaced by T.
Protein change: p.Ser5133Leu; replaces serine 5133 with leucine.
Molecular consequence: missense variant.
Genome position (GRCh38, 1-based): chr6:152,325,998, G>A on the plus strand (C>T on the coding strand, the complement: SYNE1 is on the minus strand). VCF-style: chr6-152325998-G-A. GRCh37 (hg19) VCF-style: chr6-152647133-G-A.
Other names: c.15185C>T, p.Ser5062Leu (NM_033071.5); short protein forms S5062L, S5133L.
Identifiers: ClinVar variation 933501 (VCV000933501.11), dbSNP rs771550432, ClinGen allele CA4055803.
Genomic context (GRCh38, chr6:152,325,998, plus strand): 5'-AAATGGCCCAAAACTCTGACCTTGTGTTCTGACAATTTTTCTTCCGCTTCATGACTAGAC[G>A]AAGTCTTCAACAAAGAAAACTCAGACAATTTCTTTTCTGTATCATTCATCAATTCAATAA-3'
Protein context (NP_892006.3, residues 5123-5143): KLSEFSLLKT[Ser5133Leu]SSHEAEEKLS

ClinVar aggregate classification (germline): Uncertain significance. Review status: criteria provided, multiple submitters, no conflicts (2 of 4 stars). 3 submissions from 3 submitters: Uncertain significance (3). Last evaluated 2024-12-02.

Conditions:
Emery-Dreifuss muscular dystrophy 4, autosomal dominant (EDMD4). Also called: EMERY-DREIFUSS MUSCULAR DYSTROPHY 4 WITH VARIABLE FEATURES. Identifiers: Orphanet 261, MedGen C2751807, MONDO:0013071, OMIM 612998.
Autosomal recessive ataxia, Beauce type. Also called: SYNE1 Deficiency; Spinocerebellar ataxia, autosomal recessive 8; ATAXIA, RECESSIVE, OF BEAUCE; SYNE1-Related Autosomal Recessive Cerebellar Ataxia. Identifiers: Orphanet 88644, MedGen C1853116, MONDO:0012549, OMIM 610743.

Allele frequency attached by ClinVar (database versions not stated): gnomAD 0.00001 and 0.00003; gnomAD exomes 0.00001 and 0.00005; TOPMed 0.00002; ExAC 0.00005.
gnomAD v4.1: 24 of 1,613,966 alleles (0.0015%); highest among the groups gnomAD compares: Admixed American, 0.022%; no homozygotes.

Submissions (3):

Labcorp Genetics (formerly Invitae), Labcorp
Classification: Uncertain significance for Emery-Dreifuss muscular dystrophy 4, autosomal dominant; Autosomal recessive ataxia, Beauce type. Last evaluated: 2024-12-02. Review status: criteria provided, single submitter. Criteria: Invitae Variant Classification Sherloc (09022015). Collection method: clinical testing. Allele origin: germline.
Comment: This sequence change replaces serine, which is neutral and polar, with leucine, which is neutral and non-polar, at codon 5062 of the SYNE1 protein (p.Ser5062Leu). This variant is present in population databases (rs771550432, gnomAD 0.03%). This variant has not been reported in the literature in individuals affected with SYNE1-related conditions. ClinVar contains an entry for this variant (Variation ID: 933501). An algorithm developed to predict the effect of missense changes on protein structure and function (PolyPhen-2) suggests that this variant is likely to be tolerated. Algorithms developed to predict the effect of sequence changes on RNA splicing suggest that this variant may disrupt the consensus splice site. In summary, the available evidence is currently insufficient to determine the role of this variant in disease. Therefore, it has been classified as a Variant of Uncertain Significance.

Blueprint Genetics
Classification: Uncertain significance. Last evaluated: 2021-09-24. Review status: criteria provided, single submitter. Criteria: ACMG Guidelines, 2015. Collection method: clinical testing. Allele origin: germline.

Breakthrough Genomics
Classification: Uncertain significance. Review status: criteria provided, single submitter. Criteria: ACMG Guidelines, 2015. Collection method: not provided. Allele origin: germline. Inheritance: Autosomal recessive inheritance. Affected: yes.